The following is an entry in ClinVar:

ClinVar aggregate classification (germline): Uncertain significance (1 of 4 stars; one submission).

Conditions:
Malignant hyperthermia, susceptibility to, 1 (MHS1). Also called: RYR1-Related Malignant Hyperthermia Susceptibility; Malignant hyperthermia suceptibility 1; Anesthesia related hyperthermia; Malignant hyperpyrexia; Fulminating hyperpyrexia; Pharmacogenic myopathy. Identifiers: Orphanet 423, MedGen C2930980, MONDO:0007783, OMIM 145600.

gnomAD v4.1: 1 of 1,614,032 alleles (0.000062%); highest among the groups gnomAD compares: Non-Finnish European, 0.000085%; no homozygotes.

Submission:

Color Diagnostics, LLC DBA Color Health
Classification: Uncertain significance for Malignant hyperthermia, susceptibility to, 1. Last evaluated: 2025-07-08. Review status: criteria provided, single submitter. Criteria: ACMG Guidelines, 2015. Collection method: clinical testing. Allele origin: germline.
Comment: This missense variant replaces glycine with alanine at codon 806 of the RYR1 protein. Computational prediction suggests that this variant may have deleterious impact on protein structure and function. To our knowledge, functional studies have not been reported for this variant. This variant has not been reported in individuals affected with RYR1-related disorders in the literature. This variant has been identified in 1/31382 chromosomes in the general population by the Genome Aggregation Database (gnomAD). The available evidence is insufficient to determine the role of this variant in disease conclusively. Therefore, this variant is classified as a Variant of Uncertain Significance.

NM_000540.3(RYR1):c.2417G>C (p.Gly806Ala)

Gene: RYR1 (ryanodine receptor 1; plus strand). Cytogenetic location: 19q13.2.
Variant type: single nucleotide variant.
Coding change: c.2417G>C on transcript NM_000540.3 (MANE Select); coding-DNA position 2417, G replaced by C.
Protein change: p.Gly806Ala; replaces glycine 806 with alanine.
Molecular consequence: missense variant.
Genome position (GRCh38, 1-based): chr19:38,460,431, G>C. VCF-style: chr19-38460431-G-C. GRCh37 (hg19) VCF-style: chr19-38951071-G-C.
Other names: c.2417G>C, p.Gly806Ala (NM_001042723.2); short protein forms G806A.
Identifiers: ClinVar variation 4758940 (VCV004758940.1).
Genomic context (GRCh38, chr19:38,460,431, plus strand): 5'-CCAGGGTGCGGTTCCTCCTTGGTGGCCGCCATGGTGAATTCAAGTTCCTGCCCCCACCTG[G>C]CTATGCTCCATGCCATGAGGCTGTGCTCCCTCGAGAGCGACTCCATCTTGAACCCATCAA-3'
Protein context (NP_000531.2, residues 796-816): HGEFKFLPPP[Gly806Ala]YAPCHEAVLP